The following is an entry in ClinVar:

NM_005189.3(CBX2):c.1210A>T (p.Met404Leu)

Gene: CBX2 (chromobox 2; plus strand). Cytogenetic location: 17q25.3.
Variant type: single nucleotide variant.
Coding change: c.1210A>T on transcript NM_005189.3 (MANE Select); coding-DNA position 1210, A replaced by T.
Protein change: p.Met404Leu; replaces methionine 404 with leucine.
Molecular consequence: missense variant.
Genome position (GRCh38, 1-based): chr17:79,784,653, A>T. VCF-style: chr17-79784653-A-T. GRCh37 (hg19) VCF-style: chr17-77758452-A-T.
Other names: short protein forms M404L.
Identifiers: ClinVar variation 2076308 (VCV002076308.6), dbSNP rs371067953, ClinGen allele CA8811450.

ClinVar aggregate classification (germline): Uncertain significance. Review status: criteria provided, multiple submitters, no conflicts (2 of 4 stars). 2 submissions from 2 submitters: Uncertain significance (2). Last evaluated 2025-08-15.

Allele frequency attached by ClinVar (database versions not stated): ESP Exome Variant Server 0.00015; gnomAD 0.00020; TOPMed 0.00022; ExAC 0.00023.
gnomAD v4.1: 705 of 1,612,260 alleles (0.044%); highest among the groups gnomAD compares: South Asian, 0.091%; 1 homozygote.

Submissions (2):

Labcorp Genetics (formerly Invitae), Labcorp
Classification: Uncertain significance. Last evaluated: 2025-08-15. Review status: criteria provided, single submitter. Criteria: Invitae Variant Classification Sherloc (09022015). Collection method: clinical testing. Allele origin: germline.
Comment: This sequence change replaces methionine, which is neutral and non-polar, with leucine, which is neutral and non-polar, at codon 404 of the CBX2 protein (p.Met404Leu). This variant is present in population databases (rs371067953, gnomAD 0.07%), and has an allele count higher than expected for a pathogenic variant. This variant has not been reported in the literature in individuals affected with CBX2-related conditions. ClinVar contains an entry for this variant (Variation ID: 2076308). Invitae Evidence Modeling of protein sequence and biophysical properties (such as structural, functional, and spatial information, amino acid conservation, physicochemical variation, residue mobility, and thermodynamic stability) indicates that this missense variant is not expected to disrupt CBX2 protein function with a negative predictive value of 80%. In summary, the available evidence is currently insufficient to determine the role of this variant in disease. Therefore, it has been classified as a Variant of Uncertain Significance.

Ambry Genetics
Classification: Uncertain significance. Last evaluated: 2024-10-01. Review status: criteria provided, single submitter. Criteria: Ambry Variant Classification Scheme 2023. Collection method: clinical testing. Allele origin: germline.